The following is an entry in ClinVar:

ClinVar aggregate classification (germline): Uncertain significance (1 of 4 stars; one submission).

Conditions:
Hereditary pancreatitis (PCTT). Also called: Hereditary chronic pancreatitis; PRSS1-Related Hereditary Pancreatitis. Identifiers: Orphanet 676, MedGen C0238339, MONDO:0008185, OMIM 167800.

Submission:

Ambry Genetics
Classification: Uncertain significance for Hereditary pancreatitis. Last evaluated: 2024-09-13. Review status: criteria provided, single submitter. Criteria: Ambry Variant Classification Scheme 2023. Collection method: clinical testing. Allele origin: germline.
Comment: The p.I63V variant (also known as c.187A>G), located in coding exon 3 of the CPA1 gene, results from an A to G substitution at nucleotide position 187. The isoleucine at codon 63 is replaced by valine, an amino acid with highly similar properties. This amino acid position is conserved. In addition, this alteration is predicted to be tolerated by in silico analysis. Based on the available evidence, the clinical significance of this variant remains unclear.

NM_001868.4(CPA1):c.187A>G (p.Ile63Val)

Gene: CPA1 (carboxypeptidase A1; plus strand). Cytogenetic location: 7q32.2.
Variant type: single nucleotide variant.
Coding change: c.187A>G on transcript NM_001868.4 (MANE Select); coding-DNA position 187, A replaced by G.
Protein change: p.Ile63Val; replaces isoleucine 63 with valine.
Molecular consequence: missense variant.
Genome position (GRCh38, 1-based): chr7:130,381,669, A>G. VCF-style: chr7-130381669-A-G. GRCh37 (hg19) VCF-style: chr7-130021510-A-G.
Other names: short protein forms I63V.
Identifiers: ClinVar variation 3496201 (VCV003496201.1).